The following is an entry in ClinVar:

ClinVar aggregate classification (germline): Benign. Review status: criteria provided, multiple submitters, no conflicts (2 of 4 stars). 2 submissions from 2 submitters: Benign (2). Last evaluated 2018-01-13.

Conditions:
Hirschsprung disease, susceptibility to, 3. Identifiers: Orphanet 388, MedGen C3150974, MONDO:0013383, OMIM 613711.

Allele frequency attached by ClinVar (database versions not stated): 1000 Genomes Project 0.00319; 1000 Genomes Project 30x 0.00344; gnomAD 0.00554; TOPMed 0.00574; gnomAD exomes 0.00579.
gnomAD v4.1: 1,959 of 342,202 alleles (0.57%); highest among the groups gnomAD compares: Middle Eastern, 2.4%; 11 homozygotes.

Submissions (2):

Illumina Laboratory Services, Illumina
Classification: Benign for Hirschsprung disease, susceptibility to, 3. Last evaluated: 2018-01-13. Review status: criteria provided, single submitter. Criteria: ICSL Variant Classification Criteria 13 December 2019. Collection method: clinical testing. Allele origin: germline.
Comment: This variant was observed in the ICSL laboratory as part of a predisposition screen in an ostensibly healthy population. It had not been previously curated by ICSL or reported in the Human Gene Mutation Database (HGMD: prior to June 1st, 2018), and was therefore a candidate for classification through an automated scoring system. Utilizing variant allele frequency, disease prevalence and penetrance estimates, and inheritance mode, an automated score was calculated to assess if this variant is too frequent to cause the disease. Based on the score and internal cut-off values, a variant classified as benign is not then subjected to further curation. The score for this variant resulted in a classification of benign for this disease.

Breakthrough Genomics
Classification: Benign. Review status: criteria provided, single submitter. Criteria: ACMG Guidelines, 2015. Collection method: not provided. Allele origin: germline. Inheritance: Autosomal dominant inheritance. Affected: yes.

NM_000514.4(GDNF):c.*363A>T

Gene: GDNF (glial cell derived neurotrophic factor; minus strand). Cytogenetic location: 5p13.2.
Variant type: single nucleotide variant.
Coding change: c.*363A>T on transcript NM_000514.4 (MANE Select); 363 bases downstream of the stop codon, A replaced by T.
Molecular consequence: 3 prime UTR variant.
Genome position (GRCh38, 1-based): chr5:37,815,288, T>A on the plus strand (A>T on the coding strand, the complement: GDNF is on the minus strand). VCF-style: chr5-37815288-T-A. GRCh37 (hg19) VCF-style: chr5-37815390-T-A.
Other names: c.*363A>T (NM_001190468.1, NM_001190469.1, NM_001278098.1 and 1 more transcripts).
Identifiers: ClinVar variation 353515 (VCV000353515.6), dbSNP rs45611434, ClinGen allele CA10620384.
Genomic context (GRCh38, chr5:37,815,288, plus strand): 5'-TGGTGTCTTCGGACACATGAAAACAAATCACAGGAGATACACTGGTTTGGTTCAAGTGCA[T>A]CCACCGCAACCGCGCCGGTAATCAGTGATGGTGGACTGTATCAGCTGAAATGGTGGCAAT-3'